The following is an entry in ClinVar:

NM_201384.3(PLEC):c.8739G>A (p.Pro2913=)

Gene: PLEC (plectin; minus strand). Cytogenetic location: 8q24.3.
Variant type: single nucleotide variant.
Coding change: c.8739G>A on transcript NM_201384.3 (MANE Select); coding-DNA position 8739, G replaced by A.
Protein change: p.Pro2913=; no amino-acid change (proline 2913 retained).
Molecular consequence: synonymous variant.
Genome position (GRCh38, 1-based): chr8:143,921,082, C>T on the plus strand (G>A on the coding strand, the complement: PLEC is on the minus strand). VCF-style: chr8-143921082-C-T. GRCh37 (hg19) VCF-style: chr8-144995250-C-T.
Other names: c.8820G>A, p.Pro2940= (NM_000445.5); c.8697G>A, p.Pro2899= (NM_201378.4); c.8673G>A, p.Pro2891= (NM_201379.3); c.9150G>A, p.Pro3050= (NM_201380.4); c.8643G>A, p.Pro2881= (NM_201381.3); c.8739G>A, p.Pro2913= (NM_201382.4); c.8751G>A, p.Pro2917= (NM_201383.3).
Identifiers: ClinVar variation 507838 (VCV000507838.11), dbSNP rs146153632, ClinGen allele CA4925202.
Genomic context (GRCh38, chr8:143,921,082, plus strand): 5'-GAAGTATTCCGAGTTGATGATCTCCCAAATGGTCACCGTCTTGCCCTGGAACTTGCCGAA[C>T]GGCGCAGACACGGTGGCCTTCTCAAAGACGTCCCGGGCCTCGGAGTCAGTGTAGACCAGC-3'
Protein context (NP_958786.1, residues 2903-2923): DVFEKATVSA[Pro2913=]FGKFQGKTVT

ClinVar aggregate classification (germline): Likely benign. Review status: criteria provided, multiple submitters, no conflicts (2 of 4 stars). 2 submissions from 2 submitters: Likely benign (2). Last evaluated 2023-07-25.

Conditions:
Autosomal recessive limb-girdle muscular dystrophy type 2Q (LGMDR17). Also called: MUSCULAR DYSTROPHY, LIMB-GIRDLE, AUTOSOMAL RECESSIVE 17. Identifiers: Orphanet 254361, MedGen C3150989, MONDO:0013390, OMIM 613723.
Epidermolysis bullosa simplex 5C, with pyloric atresia (EBS5C). Also called: Epidermolysis bullosa simplex with pyloric atresia; PLEC-Related Epidermolysis Bullosa with Pyloric Atresia; PLEC1-Related Epidermolysis Bullosa with Pyloric Atresia. Identifiers: Orphanet 158684, MedGen C2677349, MONDO:0012807, OMIM 612138.
Epidermolysis bullosa simplex 5B, with muscular dystrophy (EBS5B). Also called: EPIDERMOLYSIS BULLOSA SIMPLEX AND LIMB-GIRDLE MUSCULAR DYSTROPHY; Epidermolysis bullosa simplex with muscular dystrophy. Identifiers: Orphanet 257, MedGen C2931072, MONDO:0009181, OMIM 226670.
Epidermolysis bullosa simplex with nail dystrophy (EBS5D). Identifiers: MedGen C4225309, MONDO:0014661, OMIM 616487.
Epidermolysis bullosa simplex, Ogna type (EBS5A). Also called: Pidermolysis bullosa simplex 5A, Ogna type; EPIDERMOLYSIS BULLOSA SIMPLEX 5A, OGNA TYPE. Identifiers: Orphanet 79401, MedGen C0432317, MONDO:0007555, OMIM 131950.

Allele frequency attached by ClinVar (database versions not stated): gnomAD exomes 0.00002 and 0.00006; TOPMed 0.00005; ExAC 0.00007; ESP Exome Variant Server 0.00008; gnomAD 0.00008 and 0.00009; 1000 Genomes Project 30x 0.00016; 1000 Genomes Project 0.00020.
gnomAD v4.1: 39 of 1,611,844 alleles (0.0024%); highest among the groups gnomAD compares: African/African-American, 0.019%; no homozygotes.

Submissions (2):

Labcorp Genetics (formerly Invitae), Labcorp
Classification: Likely benign for Autosomal recessive limb-girdle muscular dystrophy type 2Q; Epidermolysis bullosa simplex, Ogna type; Epidermolysis bullosa simplex with nail dystrophy; Epidermolysis bullosa simplex 5C, with pyloric atresia; Epidermolysis bullosa simplex 5B, with muscular dystrophy. Last evaluated: 2023-07-25. Review status: criteria provided, single submitter. Criteria: Invitae Variant Classification Sherloc (09022015). Collection method: clinical testing. Allele origin: germline.

GeneDx
Classification: Likely benign. Last evaluated: 2017-03-03. Review status: criteria provided, single submitter. Criteria: GeneDx Variant Classification (06012015). Collection method: clinical testing. Allele origin: germline. Affected: yes.
Comment: This variant is considered likely benign or benign based on one or more of the following criteria: it is a conservative change, it occurs at a poorly conserved position in the protein, it is predicted to be benign by multiple in silico algorithms, and/or has population frequency not consistent with disease.